The following is an entry in ClinVar:

NM_000334.4(SCN4A):c.4270G>A (p.Val1424Ile)

Genes: GH-LCR (growth hormone locus control region; plus strand), SCN4A (sodium voltage-gated channel alpha subunit 4; minus strand). Cytogenetic location: 17q23.3.
Variant type: single nucleotide variant.
Coding change: c.4270G>A on transcript NM_000334.4 (MANE Select); coding-DNA position 4270, G replaced by A.
Protein change: p.Val1424Ile; replaces valine 1424 with isoleucine.
Molecular consequence: missense variant.
Genome position (GRCh38, 1-based): chr17:63,942,844, C>T on the plus strand (G>A on the coding strand, the complement: SCN4A is on the minus strand). VCF-style: chr17-63942844-C-T. GRCh37 (hg19) VCF-style: chr17-62020204-C-T.
Other names: short protein forms V1424I.
Identifiers: ClinVar variation 477421 (VCV000477421.12), dbSNP rs375844960, ClinGen allele CA8709026.
Genomic context (GRCh38, chr17:63,942,844, plus strand): 5'-TCAGCTCAGTGCTGCCCTGCCGGTCCAGCCCGCCCCGCTCACCCACAATGGACAGGATGA[C>T]GACCACGAAGTCAAAGATGTTCCAGCCAACGGTGAAGTAGTACTGGCGCAGGGCGAGCAT-3'
Protein context (NP_000325.4, residues 1414-1434): VGWNIFDFVV[Val1424Ile]ILSIVGLALS

ClinVar aggregate classification (germline): Uncertain significance. Review status: criteria provided, multiple submitters, no conflicts (2 of 4 stars). 3 submissions from 3 submitters: Uncertain significance (3). Last evaluated 2025-11-08.

Conditions:
Hyperkalemic periodic paralysis. Also called: Gamstorp disease; Familial hyperkalemic periodic paralysis. Identifiers: Orphanet 682, MedGen C0238357, MONDO:0008224, OMIM 170500, HP:0007215.

Allele frequency attached by ClinVar (database versions not stated): gnomAD 0.00001; gnomAD exomes 0.00001; TOPMed 0.00001; ExAC 0.00002; ESP Exome Variant Server 0.00015.
gnomAD v4.1: 16 of 1,613,786 alleles (0.00099%); highest among the groups gnomAD compares: East Asian, 0.0022%; no homozygotes.

Submissions (3):

Labcorp Genetics (formerly Invitae), Labcorp
Classification: Uncertain significance for Hyperkalemic periodic paralysis. Last evaluated: 2025-11-08. Review status: criteria provided, single submitter. Criteria: Invitae Variant Classification Sherloc (09022015). Collection method: clinical testing. Allele origin: germline.
Comment: This sequence change replaces valine, which is neutral and non-polar, with isoleucine, which is neutral and non-polar, at codon 1424 of the SCN4A protein (p.Val1424Ile). This variant is present in population databases (rs375844960, gnomAD 0.007%). This variant has not been reported in the literature in individuals affected with SCN4A-related conditions. ClinVar contains an entry for this variant (Variation ID: 477421). Invitae Evidence Modeling of protein sequence and biophysical properties (such as structural, functional, and spatial information, amino acid conservation, physicochemical variation, residue mobility, and thermodynamic stability) indicates that this missense variant is not expected to disrupt SCN4A protein function with a negative predictive value of 95%. In summary, the available evidence is currently insufficient to determine the role of this variant in disease. Therefore, it has been classified as a Variant of Uncertain Significance.

GeneDx
Classification: Uncertain significance. Last evaluated: 2025-03-03. Review status: criteria provided, single submitter. Criteria: GeneDx Variant Classification Process June 2021. Collection method: clinical testing. Allele origin: germline. Affected: yes.
Comment: Not observed at significant frequency in large population cohorts (gnomAD); In silico analysis indicates that this missense variant does not alter protein structure/function; Has not been previously published as pathogenic or benign to our knowledge

Women's Health and Genetics/Laboratory Corporation of America, LabCorp
Classification: Uncertain significance. Last evaluated: 2023-06-01. Review status: criteria provided, single submitter. Criteria: LabCorp Variant Classification Summary - May 2015. Collection method: clinical testing. Allele origin: germline.
Comment: Variant summary: SCN4A c.4270G>A (p.Val1424Ile) results in a conservative amino acid change located in the ion transport domain (IPR005821) of the encoded protein sequence. Three of five in-silico tools predict a damaging effect of the variant on protein function. The variant allele was found at a frequency of 1.2e-05 in 247904 control chromosomes (gnomAD). The available data on variant occurrences in the general population are insufficient to allow any conclusion about variant significance. To our knowledge, no occurrence of c.4270G>A in individuals affected with Acetazolamide-Responsive Myotonia and no experimental evidence demonstrating its impact on protein function have been reported. One clinical diagnostic laboratory has submitted clinical-significance assessments for this variant to ClinVar after 2014 and classified the variant as uncertain significance. Based on the evidence outlined above, the variant was classified as uncertain significance.